The following is an entry in ClinVar:

ClinVar aggregate classification (germline): Uncertain significance. Review status: criteria provided, multiple submitters, no conflicts (2 of 4 stars). 3 submissions from 3 submitters: Uncertain significance (3). Last evaluated 2025-09-22.

Conditions:
Hereditary cancer-predisposing syndrome. Also called: Neoplastic Syndromes, Hereditary; Hereditary neoplastic syndrome; Tumor predisposition; Hereditary Cancer Syndrome. Identifiers: Orphanet 140162, MedGen C0027672, MeSH D009386, MONDO:0015356.
Inborn genetic diseases. Identifiers: MedGen C0950123, MeSH D030342.
Acute myeloid leukemia (AML). Also called: Acute myeloid leukemia, adult; AML adult; Acute non-lymphocytic leukemia; Acute granulocytic leukemia; Leukemia, acute myelogenous, somatic; Leukemia, acute myeloid, somatic. Identifiers: Orphanet 519, MedGen C0023467, MeSH D015470, MONDO:0018874, OMIM 601626, HP:0004808. Disease mechanism: Constitutively activated FLT3.

Allele frequency attached by ClinVar (database versions not stated): gnomAD exomes 0.00001.

Submissions (3):

Ambry Genetics
Classification: Uncertain significance for Inborn genetic diseases. Last evaluated: 2025-09-22. Review status: criteria provided, single submitter. Criteria: Ambry Variant Classification Scheme 2023. Collection method: clinical testing. Allele origin: germline.
Comment: The p.V119I variant (also known as c.355G>A), located in coding exon 1 of the CEBPA gene, results from a G to A substitution at nucleotide position 355. The valine at codon 119 is replaced by isoleucine, an amino acid with highly similar properties. This amino acid position is conserved. In addition, this alteration is predicted to be tolerated by in silico analysis. Based on the available evidence, the clinical significance of this variant remains unclear.

Labcorp Genetics (formerly Invitae), Labcorp
Classification: Uncertain significance for Acute myeloid leukemia. Last evaluated: 2023-09-12. Review status: criteria provided, single submitter. Criteria: Invitae Variant Classification Sherloc (09022015). Collection method: clinical testing. Allele origin: germline.
Comment: This variant has not been reported in the literature in individuals affected with CEBPA-related conditions. In summary, the available evidence is currently insufficient to determine the role of this variant in disease. Therefore, it has been classified as a Variant of Uncertain Significance. An algorithm developed to predict the effect of missense changes on protein structure and function (PolyPhen-2) suggests that this variant is likely to be tolerated. ClinVar contains an entry for this variant (Variation ID: 1038176). The frequency data for this variant in the population databases is considered unreliable, as metrics indicate insufficient coverage at this position in the gnomAD database. This sequence change replaces valine, which is neutral and non-polar, with isoleucine, which is neutral and non-polar, at codon 119 of the CEBPA protein (p.Val119Ile).

Sema4
Classification: Uncertain significance for Hereditary cancer-predisposing syndrome. Last evaluated: 2022-03-05. Review status: criteria provided, single submitter. Criteria: Sema4 Curation Guidelines. Collection method: curation. Allele origin: germline.
Comment: The CEBPA c.355G>A (p.V119I) variant has not been reported in the literature to our knowledge. This variant is not reported in the population database Genome Aggregation Database (PMID: 32461654). The variant has been reported in ClinVar (Variation ID: 1038176). In silico tools suggest the impact of the variant on protein function is benign, though these predictions have not been confirmed by functional studies. The evidence is insufficient to meet ACMG/AMP criteria for classifying the variant as benign or pathogenic. Thus, the clinical significance of this variant is currently uncertain.

NM_004364.5(CEBPA):c.355G>A (p.Val119Ile)

Gene: CEBPA (CCAAT enhancer binding protein alpha; minus strand). Cytogenetic location: 19q13.11.
Variant type: single nucleotide variant.
Coding change: c.355G>A on transcript NM_004364.5 (MANE Select); coding-DNA position 355, G replaced by A.
Protein change: p.Val119Ile; replaces valine 119 with isoleucine.
Molecular consequence: missense variant. On other transcripts: 5 prime UTR variant (1).
Genome position (GRCh38, 1-based): chr19:33,302,060, C>T on the plus strand (G>A on the coding strand, the complement: CEBPA is on the minus strand). VCF-style: chr19-33302060-C-T. GRCh37 (hg19) VCF-style: chr19-33792966-C-T.
Other names: c.-3G>A (NM_001285829.2); c.460G>A, p.Val154Ile (NM_001287424.2); c.313G>A, p.Val105Ile (NM_001287435.2); short protein forms V105I, V119I, V154I.
Identifiers: ClinVar variation 1038176 (VCV001038176.11), dbSNP rs902740061, ClinGen allele CA405275126.